The following is an entry in ClinVar:

ClinVar aggregate classification (germline): Uncertain significance (1 of 4 stars; one submission).

Submission:

Labcorp Genetics (formerly Invitae), Labcorp
Classification: Uncertain significance. Last evaluated: 2025-12-01. Review status: criteria provided, single submitter. Criteria: Invitae Variant Classification Sherloc (09022015). Collection method: clinical testing. Allele origin: germline.
Comment: This sequence change replaces phenylalanine, which is neutral and non-polar, with serine, which is neutral and polar, at codon 601 of the SCN3A protein (p.Phe601Ser). This variant is not present in population databases (gnomAD no frequency). This variant has not been reported in the literature in individuals affected with SCN3A-related conditions. Invitae Evidence Modeling of protein sequence and biophysical properties (such as structural, functional, and spatial information, amino acid conservation, physicochemical variation, residue mobility, and thermodynamic stability) indicates that this missense variant is not expected to disrupt SCN3A protein function with a negative predictive value of 95%. In summary, the available evidence is currently insufficient to determine the role of this variant in disease. Therefore, it has been classified as a Variant of Uncertain Significance.

NM_006922.4(SCN3A):c.1802T>C (p.Phe601Ser)

Gene: SCN3A (sodium voltage-gated channel alpha subunit 3; minus strand). Cytogenetic location: 2q24.3.
Variant type: single nucleotide variant.
Coding change: c.1802T>C on transcript NM_006922.4 (MANE Select); coding-DNA position 1802, T replaced by C.
Protein change: p.Phe601Ser; replaces phenylalanine 601 with serine.
Molecular consequence: missense variant.
Genome position (GRCh38, 1-based): chr2:165,140,868, A>G on the plus strand (T>C on the coding strand, the complement: SCN3A is on the minus strand). VCF-style: chr2-165140868-A-G. GRCh37 (hg19) VCF-style: chr2-165997378-A-G.
Other names: c.1802T>C, p.Phe601Ser (NM_001081676.2, NM_001081677.2); short protein forms F601S.
Identifiers: ClinVar variation 4725981 (VCV004725981.1).
Genomic context (GRCh38, chr2:165,140,868, plus strand): 5'-CGTCGCTCTCCATGTCTGTGCGGCACAAACAGTGAGTCTCTCCTGCTTTCGCTGTCTTCA[A>G]ATGTGCTGTGTTCATCATCAGCAAAGTCATTTTCAGATCCAACATCCTTTGCCCGACCTC-3'
Protein context (NP_008853.3, residues 591-611): NDFADDEHST[Phe601Ser]EDSESRRDSL